The following is an entry in ClinVar:

NM_000551.4(VHL):c.464-16G>C

Genes: VHL (von Hippel-Lindau tumor suppressor; plus strand), LOC107303340 (3p25 von Hippel-Lindau tumor suppressor, E3 ubiquitin protein ligase Alu-mediated recombination region; plus strand). Cytogenetic location: 3p25.3.
Variant type: single nucleotide variant.
Coding change: c.464-16G>C on transcript NM_000551.4 (MANE Select); 16 bases into the intron before coding-DNA position 464, G replaced by C.
Molecular consequence: intron variant.
Genome position (GRCh38, 1-based): chr3:10,149,771, G>C. VCF-style: chr3-10149771-G-C. GRCh37 (hg19) VCF-style: chr3-10191455-G-C.
Other names: c.*18-16G>C (NM_001354723.2); c.341-16G>C (NM_198156.3).
Identifiers: ClinVar variation 2104611 (VCV002104611.5), dbSNP rs1453921703, ClinGen allele CA2580068473.
Genomic context (GRCh38, chr3:10,149,771, plus strand): 5'-GTTGGCAAAGCCTCTTGTTCGTTCCTTGTACTGAGACCCTAGTCTGCCACTGAGGATTTG[G>C]TTTTTGCCCTTCCAGTGTATACTCTGAAAGAGCGATGCCTCCAGGTTGTCCGGAGCCTAG-3'

ClinVar aggregate classification (germline): Likely benign. Review status: criteria provided, multiple submitters, no conflicts (2 of 4 stars). 2 submissions from 2 submitters: Likely benign (2). Last evaluated 2025-06-12.

Conditions:
Chuvash polycythemia. Also called: POLYCYTHEMIA, VHL-DEPENDENT. Identifiers: Orphanet 238557, MedGen C1837915, MONDO:0009892, OMIM 263400.
Von Hippel-Lindau syndrome (VHLS). Also called: von Hippel–Lindau syndrome; Von Hippel-Lindau; VHL syndrome. Identifiers: Orphanet 892, MedGen C0019562, MONDO:0008667, OMIM 193300. Disease mechanism: loss of function.

Submissions (2):

Myriad Genetics, Inc.
Classification: Likely benign for Von Hippel-Lindau syndrome. Last evaluated: 2025-06-12. Review status: criteria provided, single submitter. Criteria: Myriad Autosomal Dominant, Autosomal Recessive and X-Linked Classification Criteria (2023). Collection method: clinical testing. Allele origin: unknown.
Comment: This variant is considered likely benign. This variant is intronic and is not expected to impact mRNA splicing.

Labcorp Genetics (formerly Invitae), Labcorp
Classification: Likely benign for Von Hippel-Lindau syndrome; Chuvash polycythemia. Last evaluated: 2022-03-04. Review status: criteria provided, single submitter. Criteria: Invitae Variant Classification Sherloc (09022015). Collection method: clinical testing. Allele origin: germline.